The following is an entry in ClinVar:

ClinVar aggregate classification (germline): Uncertain significance (1 of 4 stars; one submission).

Conditions:
Inborn genetic diseases. Identifiers: MedGen C0950123, MeSH D030342.

Allele frequency attached by ClinVar (database versions not stated): TOPMed below 0.00001.
gnomAD v4.1: 1 of 1,562,778 alleles (0.000064%); highest among the groups gnomAD compares: Admixed American, 0.0019%; no homozygotes.

Submission:

Ambry Genetics
Classification: Uncertain significance for Inborn genetic diseases. Last evaluated: 2021-05-13. Review status: criteria provided, single submitter. Criteria: Ambry Variant Classification Scheme 2023. Collection method: clinical testing. Allele origin: germline.
Comment: The c.58+5G>T intronic alteration consists of a G to T substitution nucleotides after coding exon 1 in the INTS1 gene. In silico splice site analysis for this alteration is inconclusive. Based on insufficient or conflicting evidence, the clinical significance of this alteration remains unclear.

NM_001080453.3(INTS1):c.58+5G>T

Gene: INTS1 (integrator complex subunit 1; minus strand). Cytogenetic location: 7p22.3.
Variant type: single nucleotide variant.
Coding change: c.58+5G>T on transcript NM_001080453.3 (MANE Select); 5 bases into the intron after coding-DNA position 58, G replaced by T.
Molecular consequence: intron variant.
Genome position (GRCh38, 1-based): chr7:1,503,898, C>A on the plus strand (G>T on the coding strand, the complement: INTS1 is on the minus strand). VCF-style: chr7-1503898-C-A. GRCh37 (hg19) VCF-style: chr7-1543534-C-A.
Identifiers: ClinVar variation 2230047 (VCV002230047.2), dbSNP rs1783330625, ClinGen allele CA1682603946.